The following is an entry in ClinVar:

ClinVar aggregate classification (germline): Likely benign. Review status: criteria provided, single submitter (1 of 4 stars). 2 submissions from 2 submitters: Likely benign (1). 1 of the submissions does not count toward it. Last evaluated 2024-03-13.

Conditions:
LAMA5-related disorder. Also called: LAMA5-Related Disorders; LAMA5-related condition.

Allele frequency attached by ClinVar (database versions not stated): gnomAD exomes 0.00011; TOPMed 0.00022; 1000 Genomes Project 0.00020; 1000 Genomes Project 30x 0.00016; gnomAD 0.00021.

Submissions (2):

Labcorp Genetics (formerly Invitae), Labcorp
Classification: Likely benign. Last evaluated: 2024-03-13. Review status: criteria provided, single submitter. Criteria: Invitae Variant Classification Sherloc (09022015). Collection method: clinical testing. Allele origin: germline.

PreventionGenetics, part of Exact Sciences
Classification: Likely benign for LAMA5-related condition. Last evaluated: 2022-12-16. Review status: no assertion criteria provided. Collection method: clinical testing. Allele origin: germline. Not counted in ClinVar's aggregate classification.
Comment: This variant is classified as likely benign based on ACMG/AMP sequence variant interpretation guidelines (Richards et al. 2015 PMID: 25741868, with internal and published modifications).

NM_005560.6(LAMA5):c.5070C>T (p.Pro1690=)

Gene: LAMA5 (laminin subunit alpha 5; minus strand). Cytogenetic location: 20q13.33.
Variant type: single nucleotide variant.
Coding change: c.5070C>T on transcript NM_005560.6 (MANE Select); coding-DNA position 5070, C replaced by T.
Protein change: p.Pro1690=; no amino-acid change (proline 1690 retained).
Molecular consequence: synonymous variant.
Genome position (GRCh38, 1-based): chr20:62,327,275, G>A on the plus strand (C>T on the coding strand, the complement: LAMA5 is on the minus strand). VCF-style: chr20-62327275-G-A. GRCh37 (hg19) VCF-style: chr20-60902331-G-A.
Other names: c.5070C>T (NM_005560.4).
Identifiers: ClinVar variation 2065255 (VCV002065255.6), dbSNP rs566747140, ClinGen allele CA9942359.